The following is an entry in ClinVar:

ClinVar aggregate classification (germline): Benign/Likely benign. Review status: criteria provided, multiple submitters, no conflicts (2 of 4 stars). 4 submissions from 4 submitters: Benign (1); Likely benign (2). 1 of the submissions does not count toward it. Last evaluated 2026-02-04.

Conditions:
CTNNA1-related disorder. Also called: CTNNA1-related condition.
Hereditary diffuse gastric adenocarcinoma (HDGC). Also called: DIFFUSE GASTRIC AND LOBULAR BREAST CANCER SYNDROME. Identifiers: Orphanet 26106, MedGen C1708349, MONDO:0007648, OMIM 137215.

Allele frequency attached by ClinVar (database versions not stated): gnomAD exomes 0.00002 and 0.00005; ExAC 0.00006; ESP Exome Variant Server 0.00008; gnomAD 0.00017 and 0.00019; TOPMed 0.00022.
gnomAD v4.1: 50 of 1,613,972 alleles (0.0031%); highest among the groups gnomAD compares: African/African-American, 0.064%; no homozygotes.

Submissions (4):

Labcorp Genetics (formerly Invitae), Labcorp
Classification: Likely benign. Last evaluated: 2026-02-04. Review status: criteria provided, single submitter. Criteria: Invitae Variant Classification Sherloc (09022015). Collection method: clinical testing. Allele origin: germline.

Myriad Genetics, Inc.
Classification: Benign for Hereditary diffuse gastric adenocarcinoma. Last evaluated: 2024-10-15. Review status: criteria provided, single submitter. Criteria: Myriad Autosomal Dominant, Autosomal Recessive and X-Linked Classification Criteria (2023). Collection method: clinical testing. Allele origin: unknown.
Comment: This variant is considered benign. This variant is intronic and is not expected to impact mRNA splicing. Homozygosity has been confirmed in one or more individuals. As homozygosity for pathogenic variants in this gene is generally assumed to result in embryonic lethality, this variant is unlikely to be pathogenic.

Blueprint Genetics
Classification: Likely benign. Last evaluated: 2023-06-26. Review status: criteria provided, single submitter. Criteria: ACMG Guidelines, 2015. Collection method: clinical testing. Allele origin: germline.

PreventionGenetics, part of Exact Sciences
Classification: Likely benign for CTNNA1-related condition. Last evaluated: 2019-09-11. Review status: no assertion criteria provided. Collection method: clinical testing. Allele origin: germline. Not counted in ClinVar's aggregate classification.
Comment: This variant is classified as likely benign based on ACMG/AMP sequence variant interpretation guidelines (Richards et al. 2015 PMID: 25741868, with internal and published modifications).

NM_001903.5(CTNNA1):c.2433+7A>G

Gene: CTNNA1 (catenin alpha 1; plus strand). Cytogenetic location: 5q31.2.
Variant type: single nucleotide variant.
Coding change: c.2433+7A>G on transcript NM_001903.5 (MANE Select); 7 bases into the intron after coding-DNA position 2433, A replaced by G.
Molecular consequence: intron variant.
Genome position (GRCh38, 1-based): chr5:138,932,719, A>G. VCF-style: chr5-138932719-A-G. GRCh37 (hg19) VCF-style: chr5-138268408-A-G.
Other names: c.2433+7A>G (NM_001903.4, NM_001323982.2, NM_001323984.2 and 3 more transcripts); c.2340+7A>G (NM_001323986.2); c.2064+7A>G (NM_001290310.3); c.2124+7A>G (NM_001290309.3); c.1323+7A>G (NM_001323996.1, NM_001323993.1, NM_001324005.1 and 16 more transcripts); c.984+7A>G (NM_001324007.1, NM_001324009.1, NM_001324006.1 and 2 more transcripts); c.1080+7A>G (NM_001324013.1, NM_001324012.1); c.1189-1083A>G (NM_001324001.1); and 1 more.
Identifiers: ClinVar variation 695760 (VCV000695760.14), dbSNP rs370450898, ClinGen allele CA3432183.